The following is an entry in ClinVar:

ClinVar aggregate classification (germline): Uncertain significance (1 of 4 stars; one submission).

Conditions:
Hereditary cancer-predisposing syndrome. Also called: Neoplastic Syndromes, Hereditary; Tumor predisposition; Hereditary Cancer Syndrome; Hereditary neoplastic syndrome. Identifiers: Orphanet 140162, MedGen C0027672, MeSH D009386, MONDO:0015356.

Submission:

Ambry Genetics
Classification: Uncertain significance for Hereditary cancer-predisposing syndrome. Last evaluated: 2026-04-13. Review status: criteria provided, single submitter. Criteria: Ambry Variant Classification Scheme 2023. Collection method: clinical testing. Allele origin: germline.
Comment: The c.1794+4delA intronic variant is located 4 nucleotide(s) after coding exon 16 of the POLE gene. This variant results from a deletion of one nucleotide at position c.1794+4. This nucleotide position is well conserved in available vertebrate species. In silico splice site analysis predicts that this alteration will not have any significant effect on splicing. Based on the available evidence, the clinical significance of this variant remains unclear.

NM_006231.4(POLE):c.1794+4del

Gene: POLE (DNA polymerase epsilon, catalytic subunit; minus strand). Cytogenetic location: 12q24.33.
Variant type: Deletion.
Coding change: c.1794+4del on transcript NM_006231.4 (MANE Select); 4 bases into the intron after coding-DNA position 1794, one base deleted (A; older notation c.1794+4delA).
Molecular consequence: intron variant.
Genome position (GRCh38, 1-based): chr12:132,672,211, T deleted on the plus strand (A on the coding strand, the reverse complement: POLE is on the minus strand); the first of 2 consecutive T bases (chr12:132,672,211-132,672,212); deleting either gives the same sequence. VCF-style (leftmost placement, unchanged base first): chr12-132672210-GT-G. GRCh37 (hg19) VCF-style: chr12-133248796-GT-G.
Identifiers: ClinVar variation 4862264 (VCV004862264.1).